The following is an entry in ClinVar:

NM_000218.3(KCNQ1):c.1393+33077_1393+33079del

Genes: KCNQ1 (potassium voltage-gated channel subfamily Q member 1; plus strand), KCNQ1OT1 (KCNQ1 opposite strand/antisense transcript 1; minus strand). Cytogenetic location: 11p15.5.
Variant type: Microsatellite.
Coding change: c.1393+33077_1393+33079del on transcript NM_000218.3 (MANE Select); bases 33077 to 33079 of the intron after coding-DNA position 1393, 3 bases deleted (CTT; older notation c.1393+33077_1393+33079delCTT).
Molecular consequence: intron variant. On other transcripts: non-coding transcript variant (1).
Genome position (GRCh38, 1-based): chr11:2,621,931-2,621,933, CTT deleted; deleting any 3 consecutive bases within chr11:2,621,926-2,621,933 gives the same sequence; the c. name uses the placement nearest the transcript's 3' end. VCF-style (leftmost placement, unchanged base first): chr11-2621925-GTTC-G. GRCh37 (hg19) VCF-style: chr11-2643155-GTTC-G.
Other names: c.1123+33077_1123+33079del (NM_001406837.1); c.1297+33077_1297+33079del (NM_001406836.1); c.853+33077_853+33079del (NM_001406838.1); c.1012+33077_1012+33079del (NM_181798.2).
Identifiers: ClinVar variation 3234539 (VCV003234539.20), dbSNP rs764151014, ClinGen allele CA216362891.

ClinVar aggregate classification (germline): Benign (1 of 4 stars; one submission).

Submission:

CeGaT Center for Human Genetics Tuebingen
Classification: Benign. Last evaluated: 2026-07-01. Review status: criteria provided, single submitter. Criteria: CeGaT Center For Human Genetics Tuebingen Variant Classification Criteria Version 2. Collection method: clinical testing. Allele origin: germline. Affected: yes. Observed: 7 variant alleles.
Comment: KCNQ1OT1: BS1, BS2